The following is an entry in ClinVar:

NM_002474.3(MYH11):c.1318G>A (p.Val440Met)

Gene: MYH11 (myosin heavy chain 11; minus strand). Cytogenetic location: 16p13.11.
Variant type: single nucleotide variant.
Coding change: c.1318G>A on transcript NM_002474.3 (MANE Select); coding-DNA position 1318, G replaced by A.
Protein change: p.Val440Met; replaces valine 440 with methionine.
Molecular consequence: missense variant.
Genome position (GRCh38, 1-based): chr16:15,759,659, C>T on the plus strand (G>A on the coding strand, the complement: MYH11 is on the minus strand). VCF-style: chr16-15759659-C-T. GRCh37 (hg19) VCF-style: chr16-15853516-C-T.
Other names: c.1339G>A, p.Val447Met (NM_001040113.2, NM_001040114.2); c.1318G>A, p.Val440Met (NM_022844.3); short protein forms V440M, V447M.
Identifiers: ClinVar variation 263698 (VCV000263698.10), dbSNP rs886038900, ClinGen allele CA10587898.
Genomic context (GRCh38, chr16:15,759,659, plus strand): 5'-TATCCAGGATCCCCAGGAAGGAAGCCCCTTGCCGATGGGTCTTGTCCAGGGCTTTGTTCA[C>T]GCGGGTGAGTATCCAGCGGAAAAGGCGCTCATATGTTGCCTTGGCCAAAGCCTCTACAGC-3'
Protein context (NP_002465.1, residues 430-450): ERLFRWILTR[Val440Met]NKALDKTHRQ

ClinVar aggregate classification (germline): Uncertain significance. Review status: criteria provided, multiple submitters, no conflicts (2 of 4 stars). 4 submissions from 4 submitters: Uncertain significance (4). Last evaluated 2023-02-24.

Conditions:
Cardiovascular phenotype. Identifiers: MedGen CN230736.
Familial thoracic aortic aneurysm and aortic dissection (TAAD). Also called: Thoracic aortic aneurysms and dissections. Identifiers: Orphanet 91387, MedGen C4707243, MONDO:0019625.
Aortic aneurysm, familial thoracic 4 (AAT4). Also called: AORTIC ANEURYSM/AORTIC DISSECTION AND PATENT DUCTUS ARTERIOSUS. Identifiers: MedGen C1851504, MONDO:0007568, OMIM 132900.

Allele frequency attached by ClinVar (database versions not stated): gnomAD exomes below 0.00001; TOPMed 0.00001.
gnomAD v4.1: 5 of 1,614,208 alleles (0.00031%); highest among the groups gnomAD compares: South Asian, 0.0011%; no homozygotes.

Submissions (4):

All of Us Research Program, National Institutes of Health
Classification: Uncertain significance for Familial thoracic aortic aneurysm and aortic dissection. Last evaluated: 2023-02-24. Review status: criteria provided, single submitter. Criteria: ACMG Guidelines, 2015. Collection method: clinical testing. Allele origin: germline. Inheritance: Autosomal dominant inheritance. Observed: 1 variant allele, 1 heterozygote.
Comment: This missense variant replaces valine with methionine at codon 447 of the MYH11 protein. Computational prediction is inconclusive regarding the impact of this variant on protein structure and function (internally defined REVEL score threshold 0.5 < inconclusive < 0.7, PMID: 27666373). To our knowledge, functional studies have not been reported for this variant. This variant has not been reported in individuals affected with MYH11-related disorders in the literature. This variant has not been identified in the general population by the Genome Aggregation Database (gnomAD). The available evidence is insufficient to determine the role of this variant in disease conclusively. Therefore, this variant is classified as a Variant of Uncertain Significance.

This study involves interpretation of variants in research participants for the purpose of population health screening. Participant phenotype was not available at the time of variant classification. Additional details can be found in publication PMID: 35346344, PMCID: PMC8962531

Color Diagnostics, LLC DBA Color Health
Classification: Uncertain significance for Familial thoracic aortic aneurysm and aortic dissection. Last evaluated: 2022-11-06. Review status: criteria provided, single submitter. Criteria: ACMG Guidelines, 2015. Collection method: clinical testing. Allele origin: germline.
Comment: This missense variant replaces valine with methionine at codon 447 of the MYH11 protein. Computational prediction is inconclusive regarding the impact of this variant on protein structure and function (internally defined REVEL score threshold 0.5 < inconclusive < 0.7, PMID: 27666373). To our knowledge, functional studies have not been reported for this variant. This variant has not been reported in individuals affected with MYH11-related disorders in the literature. This variant has not been identified in the general population by the Genome Aggregation Database (gnomAD). The available evidence is insufficient to determine the role of this variant in disease conclusively. Therefore, this variant is classified as a Variant of Uncertain Significance.

Labcorp Genetics (formerly Invitae), Labcorp
Classification: Uncertain significance for Aortic aneurysm, familial thoracic 4. Last evaluated: 2021-08-27. Review status: criteria provided, single submitter. Criteria: Invitae Variant Classification Sherloc (09022015). Collection method: clinical testing. Allele origin: germline.
Comment: This sequence change replaces valine with methionine at codon 447 of the MYH11 protein (p.Val447Met). The valine residue is highly conserved and there is a small physicochemical difference between valine and methionine. This variant is not present in population databases (ExAC no frequency). This variant has not been reported in the literature in individuals affected with MYH11-related conditions. Algorithms developed to predict the effect of missense changes on protein structure and function are either unavailable or do not agree on the potential impact of this missense change (SIFT: "Deleterious"; PolyPhen-2: "Possibly Damaging"; Align-GVGD: "Class C15"). In summary, the available evidence is currently insufficient to determine the role of this variant in disease. Therefore, it has been classified as a Variant of Uncertain Significance.

Ambry Genetics
Classification: Uncertain significance for Cardiovascular phenotype. Last evaluated: 2013-08-05. Review status: criteria provided, single submitter. Criteria: Ambry Autosomal Dominant and X-Linked criteria (10/2015). Collection method: clinical testing. Allele origin: germline. Observed: 1 variant allele.
Comment: There is insufficient or conflicting evidence for classification of this alteration.